The following is an entry in ClinVar:

ClinVar aggregate classification (germline): Uncertain significance (1 of 4 stars; one submission).

gnomAD v4.1: 2 of 1,613,532 alleles (0.00012%); highest among the groups gnomAD compares: Non-Finnish European, 0.00017%; no homozygotes.

Submission:

Women's Health and Genetics/Laboratory Corporation of America, LabCorp
Classification: Uncertain significance. Last evaluated: 2024-08-22. Review status: criteria provided, single submitter. Criteria: LabCorp Variant Classification Summary - May 2015. Collection method: clinical testing. Allele origin: germline.
Comment: Variant summary: PC c.911A>G (p.Tyr304Cys) results in a non-conservative amino acid change located in the Carbamoyl-phosphate synthetase large subunit-like, ATP-binding domain (IPR005479) of the encoded protein sequence. Five of five in-silico tools predict a damaging effect of the variant on protein function. The variant was absent in 251000 control chromosomes. The available data on variant occurrences in the general population are insufficient to allow any conclusion about variant significance. c.911A>G has been reported in the literature in at least one compound heterozygous individual affected with Pyruvate Carboxylase Deficiency (e.g. Monnot_2009). These data do not allow any conclusion about variant significance. To our knowledge, no experimental evidence demonstrating an impact on protein function has been reported. The following publication has been ascertained in the context of this evaluation (PMID: 19306334). No submitters have cited clinical-significance assessments for this variant to ClinVar. Based on the evidence outlined above, the variant was classified as uncertain significance.

Literature cited by the submitters: PubMed 19306334.

NM_001040716.2(PC):c.911A>G (p.Tyr304Cys)

Gene: PC (pyruvate carboxylase; minus strand). Cytogenetic location: 11q13.2.
Variant type: single nucleotide variant.
Coding change: c.911A>G on transcript NM_001040716.2 (MANE Select); coding-DNA position 911, A replaced by G.
Protein change: p.Tyr304Cys; replaces tyrosine 304 with cysteine.
Molecular consequence: missense variant.
Genome position (GRCh38, 1-based): chr11:66,868,957, T>C on the plus strand (A>G on the coding strand, the complement: PC is on the minus strand). VCF-style: chr11-66868957-T-C. GRCh37 (hg19) VCF-style: chr11-66636428-T-C.
Other names: c.911A>G, p.Tyr304Cys (NM_000920.4, NM_022172.3); short protein forms Y304C.
Identifiers: ClinVar variation 3366646 (VCV003366646.1).